The following is an entry in ClinVar:

NM_001184.4(ATR):c.6078+1G>C

Gene: ATR (ATR checkpoint kinase; minus strand). Cytogenetic location: 3q23.
Variant type: single nucleotide variant.
Coding change: c.6078+1G>C on transcript NM_001184.4 (MANE Select); the canonical splice donor site of the intron after coding-DNA position 6078, G replaced by C.
Molecular consequence: splice donor variant.
Genome position (GRCh38, 1-based): chr3:142,493,131, C>G on the plus strand (G>C on the coding strand, the complement: ATR is on the minus strand). VCF-style: chr3-142493131-C-G. GRCh37 (hg19) VCF-style: chr3-142211973-C-G.
Other names: c.5886+1G>C (NM_001354579.2).
Identifiers: ClinVar variation 2842094 (VCV002842094.3), dbSNP rs2473142622, ClinGen allele CA354811102.

ClinVar aggregate classification (germline): Likely pathogenic (1 of 4 stars; one submission).

Submission:

Labcorp Genetics (formerly Invitae), Labcorp
Classification: Likely pathogenic. Last evaluated: 2023-03-02. Review status: criteria provided, single submitter. Criteria: Invitae Variant Classification Sherloc (09022015). Collection method: clinical testing. Allele origin: germline.
Comment: This sequence change affects a donor splice site in intron 35 of the ATR gene. It is expected to disrupt RNA splicing. Variants that disrupt the donor or acceptor splice site typically lead to a loss of protein function (PMID: 16199547), and loss-of-function variants in ATR are known to be pathogenic (PMID: 21228398, 23144622). This variant is not present in population databases (gnomAD no frequency). This variant has not been reported in the literature in individuals affected with ATR-related conditions. Algorithms developed to predict the effect of sequence changes on RNA splicing suggest that this variant may disrupt the consensus splice site. In summary, the currently available evidence indicates that the variant is pathogenic, but additional data are needed to prove that conclusively. Therefore, this variant has been classified as Likely Pathogenic.

Literature cited by the submitters: PubMed 16199547; PubMed 21228398; PubMed 23144622.